The following is an entry in ClinVar:

ClinVar aggregate classification (germline): Benign. Review status: criteria provided, multiple submitters, no conflicts (2 of 4 stars). 8 submissions from 8 submitters: Benign (7). 1 of the submissions does not count toward it. Last evaluated 2026-02-04.

Conditions:
Agenesis of the corpus callosum with peripheral neuropathy (ACCPN). Also called: HMSN/ACC; Hereditary Motor and Sensory Neuropathy with Agenesis of the Corpus Callosum; CHARLEVOIX DISEASE; POLYNEUROPATHY, SENSORIMOTOR, WITH OR WITHOUT AGENESIS OF THE CORPUS CALLOSUM. Identifiers: Orphanet 1496, MedGen C0795950, MONDO:0000902, OMIM 218000. Disease mechanism: loss of function.

Allele frequency attached by ClinVar (database versions not stated): ESP Exome Variant Server 0.01016; TOPMed 0.01611; 1000 Genomes Project 0.01637; gnomAD 0.01692 and 0.01718; 1000 Genomes Project 30x 0.01702; ExAC 0.02214.
gnomAD v4.1: 27,270 of 1,612,878 alleles (1.7%); highest among the groups gnomAD compares: Admixed American, 6.4%; 431 homozygotes.

Submissions (8):

Labcorp Genetics (formerly Invitae), Labcorp
Classification: Benign. Last evaluated: 2026-02-04. Review status: criteria provided, single submitter. Criteria: Invitae Variant Classification Sherloc (09022015). Collection method: clinical testing. Allele origin: germline.

Genome-Nilou Lab
Classification: Benign for Agenesis of the corpus callosum with peripheral neuropathy. Last evaluated: 2021-07-15. Review status: criteria provided, single submitter. Criteria: ACMG Guidelines, 2015. Collection method: clinical testing. Allele origin: germline. Affected: no.

Illumina Laboratory Services, Illumina
Classification: Benign for Agenesis of the corpus callosum with peripheral neuropathy. Last evaluated: 2018-01-12. Review status: criteria provided, single submitter. Criteria: ICSL Variant Classification Criteria 13 December 2019. Collection method: clinical testing. Allele origin: germline.
Comment: This variant was observed in the ICSL laboratory as part of a predisposition screen in an ostensibly healthy population. It had not been previously curated by ICSL or reported in the Human Gene Mutation Database (HGMD: prior to June 1st, 2018), and was therefore a candidate for classification through an automated scoring system. Utilizing variant allele frequency, disease prevalence and penetrance estimates, and inheritance mode, an automated score was calculated to assess if this variant is too frequent to cause the disease. Based on the score and internal cut-off values, a variant classified as benign is not then subjected to further curation. The score for this variant resulted in a classification of benign for this disease.

Mayo Clinic Laboratories, Mayo Clinic
Classification: Benign. Last evaluated: 2016-04-12. Review status: criteria provided, single submitter. Criteria: ACMG Guidelines, 2015. Collection method: clinical testing. Allele origin: germline. Observed: 75 variant alleles.

GeneDx
Classification: Benign. Last evaluated: 2014-05-06. Review status: criteria provided, single submitter. Criteria: GeneDx Variant Classification (06012015). Collection method: clinical testing. Allele origin: germline. Affected: yes.
Comment: This variant is considered likely benign or benign based on one or more of the following criteria: it is a conservative change, it occurs at a poorly conserved position in the protein, it is predicted to be benign by multiple in silico algorithms, and/or has population frequency not consistent with disease.

Genetic Services Laboratory, University of Chicago
Classification: Benign. Last evaluated: 2013-02-08. Review status: criteria provided, single submitter. Criteria: ACMG Guidelines, 2007. Collection method: clinical testing. Allele origin: germline. Inheritance: Autosomal recessive inheritance.

Breakthrough Genomics
Classification: Benign. Review status: criteria provided, single submitter. Criteria: ACMG Guidelines, 2015. Collection method: not provided. Allele origin: germline. Inheritance: Autosomal recessive inheritance. Affected: yes.

Natera, Inc.
Classification: Benign for Andermann syndrome. Last evaluated: 2020-09-16. Review status: no assertion criteria provided. Collection method: clinical testing. Allele origin: germline. Not counted in ClinVar's aggregate classification.

NM_001365088.1(SLC12A6):c.963C>T (p.Tyr321=)

Gene: SLC12A6 (solute carrier family 12 member 6; minus strand). Cytogenetic location: 15q14.
Variant type: single nucleotide variant.
Coding change: c.963C>T on transcript NM_001365088.1 (MANE Select); coding-DNA position 963, C replaced by T.
Protein change: p.Tyr321=; no amino-acid change (tyrosine 321 retained).
Molecular consequence: synonymous variant.
Genome position (GRCh38, 1-based): chr15:34,254,503, G>A on the plus strand (C>T on the coding strand, the complement: SLC12A6 is on the minus strand). VCF-style: chr15-34254503-G-A. GRCh37 (hg19) VCF-style: chr15-34546704-G-A.
Other names: p.Y321Y:TAC>TAT; p.Tyr321=; c.786C>T, p.Tyr262= (NM_001042494.2, NM_001042495.2); c.936C>T, p.Tyr312= (NM_001042496.2); c.918C>T, p.Tyr306= (NM_001042497.2); c.810C>T, p.Tyr270= (NM_005135.2); c.963C>T, p.Tyr321= (NM_133647.2).
Identifiers: ClinVar variation 139118 (VCV000139118.21), dbSNP rs35583475, ClinGen allele CA173455.
Genomic context (GRCh38, chr15:34,254,503, plus strand): 5'-GTTCACATAGCGTACGCCGATAAATACCACTAATACCATAAGGACCAAGAAAGCTGTGCC[G>A]TAGACACGCATGTTATTTAGCATGGCTGCTGATTCCTTGAGTGCGTCATCACTGTGAAAG-3'
Protein context (NP_001352017.1, residues 311-331): SAAMLNNMRV[Tyr321=]GTAFLVLMVL